The following is an entry in ClinVar:

ClinVar aggregate classification (germline): Uncertain significance (1 of 4 stars; one submission).

Submission:

Ambry Genetics
Classification: Uncertain significance. Last evaluated: 2024-05-09. Review status: criteria provided, single submitter. Criteria: Ambry Variant Classification Scheme 2023. Collection method: clinical testing. Allele origin: germline.
Comment: The p.T166R variant (also known as c.497C>G), located in coding exon 3 of the MNDA gene, results from a C to G substitution at nucleotide position 497. The threonine at codon 166 is replaced by arginine, an amino acid with similar properties. This amino acid position is conserved. In addition, this alteration is predicted to be tolerated by in silico analysis. Based on the available evidence, the clinical significance of this variant remains unclear.

NM_002432.3(MNDA):c.497C>G (p.Thr166Arg)

Gene: MNDA (myeloid cell nuclear differentiation antigen; plus strand). Cytogenetic location: 1q23.1.
Variant type: single nucleotide variant.
Coding change: c.497C>G on transcript NM_002432.3 (MANE Select); coding-DNA position 497, C replaced by G.
Protein change: p.Thr166Arg; replaces threonine 166 with arginine.
Molecular consequence: missense variant.
Genome position (GRCh38, 1-based): chr1:158,844,049, C>G. VCF-style: chr1-158844049-C-G. GRCh37 (hg19) VCF-style: chr1-158813839-C-G.
Other names: short protein forms T166R.
Identifiers: ClinVar variation 3295424 (VCV003295424.1).